The following is an entry in ClinVar:

NM_000755.5(CRAT):c.1591C>G (p.Leu531Val)

Gene: CRAT (carnitine O-acetyltransferase; minus strand). Cytogenetic location: 9q34.11.
Variant type: single nucleotide variant.
Coding change: c.1591C>G on transcript NM_000755.5 (MANE Select); coding-DNA position 1591, C replaced by G.
Protein change: p.Leu531Val; replaces leucine 531 with valine.
Molecular consequence: missense variant.
Genome position (GRCh38, 1-based): chr9:129,096,072, G>C on the plus strand (C>G on the coding strand, the complement: CRAT is on the minus strand). VCF-style: chr9-129096072-G-C. GRCh37 (hg19) VCF-style: chr9-131858351-G-C.
Other names: c.1528C>G, p.Leu510Val (NM_001257363.3, NM_001346548.2, NM_004003.4); c.1594C>G, p.Leu532Val (NM_001346546.2); c.1591C>G, p.Leu531Val (NM_001346547.2); c.1471C>G, p.Leu491Val (NM_001346549.2); short protein forms L510V, L532V, L491V, L531V.
Identifiers: ClinVar variation 1415454 (VCV001415454.6), dbSNP rs747519287, ClinGen allele CA5275309.

ClinVar aggregate classification (germline): Uncertain significance (1 of 4 stars; one submission).

Allele frequency attached by ClinVar (database versions not stated): gnomAD exomes below 0.00001 and 0.00001; ExAC 0.00002.
gnomAD v4.1: 4 of 1,614,024 alleles (0.00025%); highest among the groups gnomAD compares: East Asian, 0.0022%; no homozygotes.

Submission:

Labcorp Genetics (formerly Invitae), Labcorp
Classification: Uncertain significance. Last evaluated: 2021-09-21. Review status: criteria provided, single submitter. Criteria: Invitae Variant Classification Sherloc (09022015). Collection method: clinical testing. Allele origin: germline.
Comment: In summary, the available evidence is currently insufficient to determine the role of this variant in disease. Therefore, it has been classified as a Variant of Uncertain Significance. This sequence change replaces leucine with valine at codon 531 of the CRAT protein (p.Leu531Val). The leucine residue is moderately conserved and there is a small physicochemical difference between leucine and valine. This variant is present in population databases (rs747519287, ExAC 0.02%). This variant has not been reported in the literature in individuals affected with CRAT-related conditions. Algorithms developed to predict the effect of missense changes on protein structure and function (SIFT, PolyPhen-2, Align-GVGD) all suggest that this variant is likely to be tolerated.